The following is an entry in ClinVar:

ClinVar aggregate classification (germline): Uncertain significance (1 of 4 stars; one submission).

Conditions:
Hereditary cancer-predisposing syndrome. Also called: Neoplastic Syndromes, Hereditary; Tumor predisposition; Hereditary neoplastic syndrome; Hereditary Cancer Syndrome. Identifiers: Orphanet 140162, MedGen C0027672, MeSH D009386, MONDO:0015356.

Submission:

Ambry Genetics
Classification: Uncertain significance for Hereditary cancer-predisposing syndrome. Last evaluated: 2025-04-16. Review status: criteria provided, single submitter. Criteria: Ambry Variant Classification Scheme 2023. Collection method: clinical testing. Allele origin: germline.
Comment: The p.I640T variant (also known as c.1919T>C), located in coding exon 6 of the MET gene, results from a T to C substitution at nucleotide position 1919. The isoleucine at codon 640 is replaced by threonine, an amino acid with similar properties. This amino acid position is conserved. In addition, this alteration is predicted to be tolerated by in silico analysis. Based on the available evidence, the clinical significance of this variant remains unclear.

NM_000245.4(MET):c.1919T>C (p.Ile640Thr)

Gene: MET (MET proto-oncogene, receptor tyrosine kinase; plus strand). Cytogenetic location: 7q31.2.
Variant type: single nucleotide variant.
Coding change: c.1919T>C on transcript NM_000245.4 (MANE Select); coding-DNA position 1919, T replaced by C.
Protein change: p.Ile640Thr; replaces isoleucine 640 with threonine.
Molecular consequence: missense variant.
Genome position (GRCh38, 1-based): chr7:116,757,493, T>C. VCF-style: chr7-116757493-T-C. GRCh37 (hg19) VCF-style: chr7-116397547-T-C.
Other names: c.1919T>C, p.Ile640Thr (NM_001127500.3, NM_001324401.3); c.629T>C, p.Ile210Thr (NM_001324402.2); short protein forms I210T, I640T.
Identifiers: ClinVar variation 4053952 (VCV004053952.1).
Genomic context (GRCh38, chr7:116,757,493, plus strand): 5'-CCAGATTGAAATGCACAGTTGGTCCTGCCATGAATAAGCATTTCAATATGTCCATAATTA[T>C]TTCAAATGGCCACGGGACAACACAATACAGTACATTCTCCTATGTGGTAAGGAAGATTCT-3'
Protein context (NP_000236.2, residues 630-650): MNKHFNMSII[Ile640Thr]SNGHGTTQYS